The following is an entry in ClinVar:

NM_078629.4(MSL3):c.810G>A (p.Pro270=)

Gene: MSL3 (MSL complex subunit 3; plus strand). Cytogenetic location: Xp22.2.
Variant type: single nucleotide variant.
Coding change: c.810G>A on transcript NM_078629.4 (MANE Select); coding-DNA position 810, G replaced by A.
Protein change: p.Pro270=; no amino-acid change (proline 270 retained).
Molecular consequence: synonymous variant.
Genome position (GRCh38, 1-based): chrX:11,763,840, G>A. VCF-style: chrX-11763840-G-A. GRCh37 (hg19) VCF-style: chrX-11781959-G-A.
Other names: c.774G>A, p.Pro258= (NM_001193270.2); c.363G>A, p.Pro121= (NM_001282174.1); c.312G>A, p.Pro104= (NM_006800.4); c.810G>A, p.Pro270= (NM_078628.2).
Identifiers: ClinVar variation 3051315 (VCV003051315.3), dbSNP rs148310712, ClinGen allele CA10348850.

ClinVar aggregate classification (germline): Likely benign. Review status: criteria provided, single submitter (1 of 4 stars). 2 submissions from 2 submitters: Likely benign (1). 1 of the submissions does not count toward it. Last evaluated 2024-10-16.

Conditions:
MSL3-related disorder. Also called: MSL3-related condition.

Allele frequency attached by ClinVar (database versions not stated): gnomAD 0.00005; TOPMed 0.00007; ESP Exome Variant Server 0.00009; gnomAD exomes 0.00004.
gnomAD v4.1: 54 of 1,204,320 alleles (0.0045%); highest among the groups gnomAD compares: Middle Eastern, 0.12%; no homozygotes.

Submissions (2):

Blueprint Genetics
Classification: Likely benign. Last evaluated: 2024-10-16. Review status: criteria provided, single submitter. Criteria: ACMG Guidelines, 2015. Collection method: clinical testing. Allele origin: germline.

PreventionGenetics, part of Exact Sciences
Classification: Likely benign for MSL3-related condition. Last evaluated: 2019-02-21. Review status: no assertion criteria provided. Collection method: clinical testing. Allele origin: germline. Not counted in ClinVar's aggregate classification.
Comment: This variant is classified as likely benign based on ACMG/AMP sequence variant interpretation guidelines (Richards et al. 2015 PMID: 25741868, with internal and published modifications).